The following is an entry in ClinVar:

ClinVar aggregate classification (germline): Uncertain significance (1 of 4 stars; one submission).

Allele frequency attached by ClinVar (database versions not stated): gnomAD exomes below 0.00001; TOPMed below 0.00001; ExAC 0.00001.
gnomAD v4.1: 5 of 1,614,202 alleles (0.00031%); highest among the groups gnomAD compares: Non-Finnish European, 0.000085%; no homozygotes.

Submission:

Labcorp Genetics (formerly Invitae), Labcorp
Classification: Uncertain significance. Last evaluated: 2022-07-10. Review status: criteria provided, single submitter. Criteria: Invitae Variant Classification Sherloc (09022015). Collection method: clinical testing. Allele origin: germline.
Comment: This sequence change replaces methionine, which is neutral and non-polar, with threonine, which is neutral and polar, at codon 476 of the KLHL3 protein (p.Met476Thr). In summary, the available evidence is currently insufficient to determine the role of this variant in disease. Therefore, it has been classified as a Variant of Uncertain Significance. Algorithms developed to predict the effect of missense changes on protein structure and function (SIFT, PolyPhen-2, Align-GVGD) all suggest that this variant is likely to be disruptive. This variant has not been reported in the literature in individuals affected with KLHL3-related conditions. This variant is present in population databases (rs773812901, gnomAD 0.02%).

NM_017415.3(KLHL3):c.1427T>C (p.Met476Thr)

Gene: KLHL3 (kelch like family member 3; minus strand). Cytogenetic location: 5q31.2.
Variant type: single nucleotide variant.
Coding change: c.1427T>C on transcript NM_017415.3 (MANE Select); coding-DNA position 1427, T replaced by C.
Protein change: p.Met476Thr; replaces methionine 476 with threonine.
Molecular consequence: missense variant.
Genome position (GRCh38, 1-based): chr5:137,634,060, A>G on the plus strand (T>C on the coding strand, the complement: KLHL3 is on the minus strand). VCF-style: chr5-137634060-A-G. GRCh37 (hg19) VCF-style: chr5-136969749-A-G.
Other names: c.1331T>C, p.Met444Thr (NM_001257194.1); c.1181T>C, p.Met394Thr (NM_001257195.2); short protein forms M394T, M476T, M444T.
Identifiers: ClinVar variation 1973854 (VCV001973854.5), dbSNP rs773812901, ClinGen allele CA3422212.